The following is an entry in ClinVar:

ClinVar aggregate classification (germline): Pathogenic (1 of 4 stars; one submission).

Conditions:
Marfan syndrome (MFS). Also called: Marfan syndrome type 1; Marfan's syndrome; FBN1-Related Marfan Syndrome; MARFAN SYNDROME, TYPE I; Marfan syndrome, classic. Identifiers: Orphanet 284963, Orphanet 558, MedGen C0024796, MONDO:0007947, OMIM 154700.

Submission:

Centre of Medical Genetics, University of Antwerp
Classification: Pathogenic for Marfan syndrome. Last evaluated: 2021-03-01. Review status: criteria provided, single submitter. Criteria: Submitter's publication. Collection method: research. Allele origin: unknown. Affected: yes.
Comment: PM2, PVS2, PP4

NM_000138.5(FBN1):c.2777G>C (p.Cys926Ser)

Gene: FBN1 (fibrillin 1; minus strand). Cytogenetic location: 15q21.1.
Variant type: single nucleotide variant.
Coding change: c.2777G>C on transcript NM_000138.5 (MANE Select); coding-DNA position 2777, G replaced by C.
Protein change: p.Cys926Ser; replaces cysteine 926 with serine.
Molecular consequence: missense variant.
Genome position (GRCh38, 1-based): chr15:48,492,538, C>G on the plus strand (G>C on the coding strand, the complement: FBN1 is on the minus strand). VCF-style: chr15-48492538-C-G. GRCh37 (hg19) VCF-style: chr15-48784735-C-G.
Other names: c.2777G>C, p.Cys926Ser (NM_001406716.1); short protein forms C926S.
Identifiers: ClinVar variation 1325486 (VCV001325486.2), dbSNP rs1555398989, ClinGen allele CA392330720.